The following is an entry in ClinVar:

ClinVar aggregate classification (germline): Uncertain significance (1 of 4 stars; one submission).

Conditions:
Catecholaminergic polymorphic ventricular tachycardia 1. Also called: VENTRICULAR TACHYCARDIA, CATECHOLAMINERGIC POLYMORPHIC, 1, WITH OR WITHOUT ATRIAL DYSFUNCTION AND/OR DILATED CARDIOMYOPATHY; RYR2-Related Catecholaminergic Polymorphic Ventricular Tachycardia; VENTRICULAR TACHYCARDIA, STRESS-INDUCED POLYMORPHIC 1. Identifiers: Orphanet 3286, MedGen C1631597, MONDO:0011484, OMIM 604772.

Submission:

Labcorp Genetics (formerly Invitae), Labcorp
Classification: Uncertain significance for Catecholaminergic polymorphic ventricular tachycardia 1. Last evaluated: 2022-06-13. Review status: criteria provided, single submitter. Criteria: Invitae Variant Classification Sherloc (09022015). Collection method: clinical testing. Allele origin: germline.
Comment: In summary, the available evidence is currently insufficient to determine the role of this variant in disease. Therefore, it has been classified as a Variant of Uncertain Significance. Experimental studies and prediction algorithms are not available or were not evaluated, and the functional significance of this variant is currently unknown. This variant has not been reported in the literature in individuals affected with TRDN-related conditions. This variant is a gross deletion of the genomic region encompassing exon(s) 15 of the TRDN gene. This variant would be expected to be in-frame, preserving the integrity of the reading frame.

NC_000006.11:g.(?_123703243)_(123703312_?)del

Gene: TRDN (triadin; minus strand). Cytogenetic location: 6q22.31.
Variant type: Deletion.
Identifiers: ClinVar variation 2425492 (VCV002425492.4).